The following is an entry in ClinVar:

ClinVar aggregate classification (germline): Uncertain significance. Review status: criteria provided, multiple submitters, no conflicts (2 of 4 stars). 2 submissions from 2 submitters: Uncertain significance (2). Last evaluated 2024-08-27.

Conditions:
Immunodeficiency 39 (IMD39). Identifiers: Orphanet 574918, MedGen C4225358, MONDO:0014597, OMIM 616345.

Allele frequency attached by ClinVar (database versions not stated): gnomAD exomes 0.00001 and 0.00003; TOPMed below 0.00001; gnomAD 0.00001.
gnomAD v4.1: 43 of 1,564,242 alleles (0.0027%); highest among the groups gnomAD compares: Non-Finnish European, 0.0035%; no homozygotes.

Submissions (2):

Ambry Genetics
Classification: Uncertain significance. Last evaluated: 2024-08-27. Review status: criteria provided, single submitter. Criteria: Ambry Variant Classification Scheme 2023. Collection method: clinical testing. Allele origin: germline.

Labcorp Genetics (formerly Invitae), Labcorp
Classification: Uncertain significance for Immunodeficiency 39. Last evaluated: 2023-12-30. Review status: criteria provided, single submitter. Criteria: Invitae Variant Classification Sherloc (09022015). Collection method: clinical testing. Allele origin: germline.
Comment: This sequence change replaces proline, which is neutral and non-polar, with serine, which is neutral and polar, at codon 321 of the IRF7 protein (p.Pro321Ser). The frequency data for this variant in the population databases is considered unreliable, as metrics indicate poor data quality at this position in the gnomAD database. This variant has not been reported in the literature in individuals affected with IRF7-related conditions. ClinVar contains an entry for this variant (Variation ID: 577080). Advanced modeling of protein sequence and biophysical properties (such as structural, functional, and spatial information, amino acid conservation, physicochemical variation, residue mobility, and thermodynamic stability) performed at Invitae indicates that this missense variant is not expected to disrupt IRF7 protein function with a negative predictive value of 80%. In summary, the available evidence is currently insufficient to determine the role of this variant in disease. Therefore, it has been classified as a Variant of Uncertain Significance.

NM_001572.5(IRF7):c.922C>T (p.Pro308Ser)

Gene: IRF7 (interferon regulatory factor 7; minus strand). Cytogenetic location: 11p15.5.
Variant type: single nucleotide variant.
Coding change: c.922C>T on transcript NM_001572.5 (MANE Select); coding-DNA position 922, C replaced by T.
Protein change: p.Pro308Ser; replaces proline 308 with serine.
Molecular consequence: missense variant.
Genome position (GRCh38, 1-based): chr11:613,521, G>A on the plus strand (C>T on the coding strand, the complement: IRF7 is on the minus strand). VCF-style: chr11-613521-G-A. GRCh37 (hg19) VCF-style: chr11-613521-G-A.
Other names: c.922C>T, p.Pro308Ser (LRG_1313t1); c.835C>T, p.Pro279Ser (NM_004029.4); c.961C>T, p.Pro321Ser (NM_004031.4); short protein forms P308S, P321S, P279S.
Identifiers: ClinVar variation 577080 (VCV000577080.5), dbSNP rs1263250882, ClinGen allele CA378979503.